The following is an entry in ClinVar:

NM_001136271.3(NKX2-6):c.455A>C (p.Lys152Thr)

Gene: NKX2-6 (NK2 homeobox 6; minus strand). Cytogenetic location: 8p21.2.
Variant type: single nucleotide variant.
Coding change: c.455A>C on transcript NM_001136271.3 (MANE Select); coding-DNA position 455, A replaced by C.
Protein change: p.Lys152Thr; replaces lysine 152 with threonine.
Molecular consequence: missense variant.
Genome position (GRCh38, 1-based): chr8:23,702,902, T>G on the plus strand (A>C on the coding strand, the complement: NKX2-6 is on the minus strand). VCF-style: chr8-23702902-T-G. GRCh37 (hg19) VCF-style: chr8-23560415-T-G.
Other names: short protein forms K152T.
Identifiers: ClinVar variation 1310432 (VCV001310432.2), dbSNP rs751396105, ClinGen allele CA4677976.

ClinVar aggregate classification (germline): Uncertain significance (1 of 4 stars; one submission).

Allele frequency attached by ClinVar (database versions not stated): TOPMed below 0.00001; gnomAD 0.00001; gnomAD exomes 0.00001 and 0.00003.
gnomAD v4.1: 17 of 1,553,606 alleles (0.0011%); highest among the groups gnomAD compares: Admixed American, 0.016%; no homozygotes.

Submission:

GeneDx
Classification: Uncertain significance. Last evaluated: 2019-11-13. Review status: criteria provided, single submitter. Criteria: GeneDx Variant Classification Process June 2021. Collection method: clinical testing. Allele origin: germline. Affected: yes.
Comment: In silico analysis, which includes protein predictors and evolutionary conservation, supports a deleterious effect; Has not been previously published as pathogenic or benign to our knowledge